The following is an entry in ClinVar:

NM_001276345.2(TNNT2):c.200-11A>G

Gene: TNNT2 (troponin T2, cardiac type; minus strand). Cytogenetic location: 1q32.1.
Variant type: single nucleotide variant.
Coding change: c.200-11A>G on transcript NM_001276345.2 (MANE Select); 11 bases into the intron before coding-DNA position 200, A replaced by G.
Molecular consequence: intron variant.
Genome position (GRCh38, 1-based): chr1:201,366,882, T>C on the plus strand (A>G on the coding strand, the complement: TNNT2 is on the minus strand). VCF-style: chr1-201366882-T-C. GRCh37 (hg19) VCF-style: chr1-201336010-T-C.
Other names: c.155-11A>G (NM_001001432.3); c.170-11A>G (NM_001001431.3, NM_001001430.3, NM_001276347.2); c.197-11A>G (NM_001276346.2); c.200-11A>G (NM_000364.4).
Identifiers: ClinVar variation 188682 (VCV000188682.31), dbSNP rs368658464, ClinGen allele CA004102.

ClinVar aggregate classification (germline): Conflicting classifications of pathogenicity. Review status: criteria provided, conflicting classifications (1 of 4 stars). 14 submissions from 12 submitters: Uncertain significance (1); Benign (4); Likely benign (4). 5 of the submissions do not count toward it. Last evaluated 2026-02-02.

Conditions:
Cardiomyopathy, familial restrictive, 3. Identifiers: Orphanet 75249, MedGen C2676271, MONDO:0012900, OMIM 612422.
Dilated cardiomyopathy 1D. Identifiers: Orphanet 154, Orphanet 54260, MedGen C1832243, MONDO:0011095, OMIM 601494.
Hypertrophic cardiomyopathy 2. Also called: TNNT2-Related Familial Hypertrophic Cardiomyopathy. Identifiers: MedGen C1861864, MONDO:0007266, OMIM 115195.
Cardiomyopathy (CMYO). Also called: Cardiomyopathies. Identifiers: Orphanet 167848, MedGen C0878544, MONDO:0004994, HP:0001638. Inheritance: Various modes of inheritance.

Allele frequency attached by ClinVar (database versions not stated): gnomAD 0.00021 and 0.00026; TOPMed 0.00022; ESP Exome Variant Server 0.00023; ExAC 0.00064; gnomAD exomes 0.00065; 1000 Genomes Project 30x 0.00094; 1000 Genomes Project 0.00120.
gnomAD v4.1: 696 of 1,614,054 alleles (0.043%); highest among the groups gnomAD compares: South Asian, 0.29%; 2 homozygotes.

Submissions (14):

Labcorp Genetics (formerly Invitae), Labcorp
Classification: Benign for Cardiomyopathy, familial restrictive, 3; Hypertrophic cardiomyopathy 2; Dilated cardiomyopathy 1D. Last evaluated: 2026-02-02. Review status: criteria provided, single submitter. Criteria: Invitae Variant Classification Sherloc (09022015). Collection method: clinical testing. Allele origin: germline.

ARUP Laboratories, Molecular Genetics and Genomics, ARUP Laboratories
Classification: Benign. Last evaluated: 2025-04-22. Review status: criteria provided, single submitter. Criteria: ARUP Molecular Germline Variant Investigation Process 2024. Collection method: clinical testing. Allele origin: germline.

Blueprint Genetics
Classification: Likely benign. Last evaluated: 2024-11-14. Review status: criteria provided, single submitter. Criteria: ACMG Guidelines, 2015. Collection method: clinical testing. Allele origin: germline.

Illumina Laboratory Services, Illumina
Classification: Likely benign for Dilated cardiomyopathy 1D. Last evaluated: 2018-12-12. Review status: criteria provided, single submitter. Criteria: ICSL Variant Classification Criteria 13 December 2019. Collection method: clinical testing. Allele origin: germline.
Comment: This variant was observed as part of a predisposition screen in an ostensibly healthy population. A literature search was performed for the gene, cDNA change, and amino acid change (where applicable). No publications were found based on this search. Allele frequency data from public databases allowed determination this variant is unlikely to cause disease. Therefore, this variant is classified as likely benign.

Illumina Laboratory Services, Illumina
Classification: Likely benign for Cardiomyopathy, familial restrictive, 3. Last evaluated: 2018-12-12. Review status: criteria provided, single submitter. Criteria: ICSL Variant Classification Criteria 13 December 2019. Collection method: clinical testing. Allele origin: germline.
Comment: the same text as in the submission from Illumina Laboratory Services, Illumina above.

Illumina Laboratory Services, Illumina
Classification: Likely benign for Hypertrophic cardiomyopathy 2. Last evaluated: 2018-12-12. Review status: criteria provided, single submitter. Criteria: ICSL Variant Classification Criteria 13 December 2019. Collection method: clinical testing. Allele origin: germline.
Comment: the same text as in the submission from Illumina Laboratory Services, Illumina above.

Color Diagnostics, LLC DBA Color Health
Classification: Benign for Cardiomyopathy. Last evaluated: 2018-07-22. Review status: criteria provided, single submitter. Criteria: ACMG Guidelines, 2015. Collection method: clinical testing. Allele origin: germline.

Laboratory for Molecular Medicine, Mass General Brigham Personalized Medicine
Classification: Uncertain significance. Last evaluated: 2016-04-25. Review status: criteria provided, single submitter. Criteria: LMM Criteria. Collection method: clinical testing. Allele origin: germline.
Comment: Variant identified in a genome or exome case(s) and assessed due to predicted null impact of the variant or pathogenic assertions in the literature or databases. Disclaimer: This variant has not undergone full assessment. The following are preliminary notes: At -11 position, 1 publication only

GeneDx
Classification: Benign. Last evaluated: 2015-03-03. Review status: criteria provided, single submitter. Criteria: GeneDx Variant Classification Process June 2021. Collection method: clinical testing. Allele origin: germline. Affected: yes.
Comment: This variant is associated with the following publications: (PMID: 22017532)

Clinical Genetics DNA and cytogenetics Diagnostics Lab, Erasmus MC, Erasmus Medical Center
Classification: Benign. Review status: no assertion criteria provided. Collection method: clinical testing. Allele origin: germline. Affected: yes. Study: VKGL Data-share Consensus. Not counted in ClinVar's aggregate classification.

Clinical Genetics, Academic Medical Center
Classification: Benign. Review status: no assertion criteria provided. Collection method: clinical testing. Allele origin: germline. Affected: yes. Study: VKGL Data-share Consensus. Not counted in ClinVar's aggregate classification.

Diagnostic Laboratory, Department of Genetics, University Medical Center Groningen
Classification: Likely benign. Review status: no assertion criteria provided. Collection method: clinical testing. Allele origin: germline. Affected: yes. Study: VKGL Data-share Consensus. Not counted in ClinVar's aggregate classification.

Genome Diagnostics Laboratory, University Medical Center Utrecht
Classification: Benign. Review status: no assertion criteria provided. Collection method: clinical testing. Allele origin: germline. Affected: yes. Study: VKGL Data-share Consensus. Not counted in ClinVar's aggregate classification.

Joint Genome Diagnostic Labs from Nijmegen and Maastricht, Radboudumc and MUMC+
Classification: Likely benign. Review status: no assertion criteria provided. Collection method: clinical testing. Allele origin: germline. Affected: yes. Study: VKGL Data-share Consensus. Not counted in ClinVar's aggregate classification.